The following is an entry in ClinVar:

ClinVar aggregate classification (germline): Uncertain significance. Review status: criteria provided, single submitter (1 of 4 stars). 2 submissions from 2 submitters: Uncertain significance (1). 1 of the submissions does not count toward it. Last evaluated 2025-01-17.

Conditions:
SEMA3A-related disorder. Also called: SEMA3A-related condition.
Inborn genetic diseases. Identifiers: MedGen C0950123, MeSH D030342.

gnomAD v4.1: 15 of 1,613,734 alleles (0.00093%); highest among the groups gnomAD compares: Admixed American, 0.01%; no homozygotes.

Submissions (2):

Ambry Genetics
Classification: Uncertain significance for Inborn genetic diseases. Last evaluated: 2025-01-17. Review status: criteria provided, single submitter. Criteria: Ambry Variant Classification Scheme 2023. Collection method: clinical testing. Allele origin: germline.

PreventionGenetics, part of Exact Sciences
Classification: Uncertain significance for SEMA3A-related condition. Last evaluated: 2024-08-19. Review status: no assertion criteria provided. Collection method: clinical testing. Allele origin: germline. Not counted in ClinVar's aggregate classification.
Comment: The SEMA3A c.197G>A variant is predicted to result in the amino acid substitution p.Arg66Gln. To our knowledge, this variant has not been reported in the literature. This variant is reported in 0.0087% of alleles in individuals of Latino descent in gnomAD. A variant affecting the same amino acid (c.196C>T; p.Arg66Trp) has been reported in individuals with various diseases, including hypogonadotropic hypogonadism (Zhang et al. 2021. PubMed ID: 34348883) and Kallman syndrome (Hanchate et al. 2012. PubMed ID: 22927827). At this time, the clinical significance of this variant is uncertain due to the absence of conclusive functional and genetic evidence.

NM_006080.3(SEMA3A):c.197G>A (p.Arg66Gln)

Gene: SEMA3A (semaphorin 3A; minus strand). Cytogenetic location: 7q21.11.
Variant type: single nucleotide variant.
Coding change: c.197G>A on transcript NM_006080.3 (MANE Select); coding-DNA position 197, G replaced by A.
Protein change: p.Arg66Gln; replaces arginine 66 with glutamine.
Molecular consequence: missense variant.
Genome position (GRCh38, 1-based): chr7:84,134,867, C>T on the plus strand (G>A on the coding strand, the complement: SEMA3A is on the minus strand). VCF-style: chr7-84134867-C-T. GRCh37 (hg19) VCF-style: chr7-83764183-C-T.
Other names: short protein forms R66Q.
Identifiers: ClinVar variation 3353000 (VCV003353000.2).